The following is an entry in ClinVar:

ClinVar aggregate classification (germline): Benign/Likely benign. Review status: criteria provided, multiple submitters, no conflicts (2 of 4 stars). 4 submissions from 4 submitters: Benign (1); Likely benign (3). Last evaluated 2025-02-20.

Conditions:
Breast-ovarian cancer, familial, susceptibility to, 4. Identifiers: Orphanet 145, MedGen C3280345, MONDO:0013669, OMIM 614291.
Hereditary cancer-predisposing syndrome. Also called: Neoplastic Syndromes, Hereditary; Hereditary Cancer Syndrome; Tumor predisposition; Hereditary neoplastic syndrome. Identifiers: Orphanet 140162, MedGen C0027672, MeSH D009386, MONDO:0015356.

Allele frequency attached by ClinVar (database versions not stated): gnomAD exomes below 0.00001.
gnomAD v4.1: 1 of 1,567,068 alleles (0.000064%); highest among the groups gnomAD compares: South Asian, 0.0011%; no homozygotes.

Submissions (4):

Myriad Genetics, Inc.
Classification: Benign for Breast-ovarian cancer, familial, susceptibility to, 4. Last evaluated: 2025-02-20. Review status: criteria provided, single submitter. Criteria: Myriad Autosomal Dominant, Autosomal Recessive and X-Linked Classification Criteria (2023). Collection method: clinical testing. Allele origin: unknown.
Comment: This variant is considered benign. This variant is a silent/synonymous amino acid change and it is not expected to impact splicing.

Color Diagnostics, LLC DBA Color Health
Classification: Likely benign for Hereditary cancer-predisposing syndrome. Last evaluated: 2022-12-24. Review status: criteria provided, single submitter. Criteria: ACMG Guidelines, 2015. Collection method: clinical testing. Allele origin: germline.

Ambry Genetics
Classification: Likely benign for Hereditary cancer-predisposing syndrome. Last evaluated: 2021-03-16. Review status: criteria provided, single submitter. Criteria: Ambry Variant Classification Scheme 2023. Collection method: clinical testing. Allele origin: germline.

GeneDx
Classification: Likely benign. Last evaluated: 2017-01-10. Review status: criteria provided, single submitter. Criteria: GeneDx Variant Classification (06012015). Collection method: clinical testing. Allele origin: germline. Affected: yes.
Comment: This variant is considered likely benign or benign based on one or more of the following criteria: it is a conservative change, it occurs at a poorly conserved position in the protein, it is predicted to be benign by multiple in silico algorithms, and/or has population frequency not consistent with disease.

NM_002878.4(RAD51D):c.309T>C (p.Thr103=)

Genes: RAD51L3-RFFL (RAD51L3-RFFL readthrough; minus strand), RAD51D (RAD51 paralog D; minus strand). Cytogenetic location: 17q12.
Variant type: single nucleotide variant.
Coding change: c.309T>C on transcript NM_002878.4 (MANE Select); coding-DNA position 309, T replaced by C.
Protein change: p.Thr103=; no amino-acid change (threonine 103 retained).
Molecular consequence: synonymous variant. On other transcripts: non-coding transcript variant (2), intron variant (1).
Genome position (GRCh38, 1-based): chr17:35,107,402, A>G on the plus strand (T>C on the coding strand, the complement: RAD51D is on the minus strand). VCF-style: chr17-35107402-A-G. GRCh37 (hg19) VCF-style: chr17-33434421-A-G.
Other names: c.369T>C, p.Thr123= (NM_001142571.2); c.145-921T>C (NM_133629.3).
Identifiers: ClinVar variation 392863 (VCV000392863.6), dbSNP rs1057524665, ClinGen allele CA16608401.
Genomic context (GRCh38, chr17:35,107,402, plus strand): 5'-CCTGACTGCTGGCCTCACATGTACCTGAGTTTTGCCGCTACCTGGGCCTCCTACAATTTC[A>G]GTCACTTCTCCAGTATAGAGACCAGCATCAAGCAGTTTATCAAGACTGATGGCAGAAGAG-3'
Protein context (NP_002869.3, residues 93-113): LDAGLYTGEV[Thr103=]EIVGGPGSGK